The following is an entry in ClinVar:

ClinVar aggregate classification (germline): Uncertain significance (1 of 4 stars; one submission).

Conditions:
Inborn genetic diseases. Identifiers: MedGen C0950123, MeSH D030342.

gnomAD v4.1: 1 of 1,613,916 alleles (0.000062%); highest among the groups gnomAD compares: Non-Finnish European, 0.000085%; no homozygotes.

Submission:

Ambry Genetics
Classification: Uncertain significance for Inborn genetic diseases. Last evaluated: 2025-02-01. Review status: criteria provided, single submitter. Criteria: Ambry Variant Classification Scheme 2023. Collection method: clinical testing. Allele origin: germline.
Comment: The p.C324R variant (also known as c.970T>C), located in coding exon 6 of the MECOM gene, results from a T to C substitution at nucleotide position 970. The cysteine at codon 324 is replaced by arginine, an amino acid with highly dissimilar properties. This amino acid position is conserved. In addition, this alteration is predicted to be deleterious by in silico analysis. Based on the available evidence, the clinical significance of this variant remains unclear.

NM_004991.4(MECOM):c.970T>C (p.Cys324Arg)

Gene: MECOM (MDS1 and EVI1 complex locus; minus strand). Cytogenetic location: 3q26.2.
Variant type: single nucleotide variant.
Coding change: c.970T>C on transcript NM_004991.4 (MANE Select); coding-DNA position 970, T replaced by C.
Protein change: p.Cys324Arg; replaces cysteine 324 with arginine.
Molecular consequence: missense variant.
Genome position (GRCh38, 1-based): chr3:169,122,588, A>G on the plus strand (T>C on the coding strand, the complement: MECOM is on the minus strand). VCF-style: chr3-169122588-A-G. GRCh37 (hg19) VCF-style: chr3-168840376-A-G.
Other names: c.598T>C, p.Cys200Arg (NM_001105077.4); c.406T>C, p.Cys136Arg (NM_001105078.4, NM_001163999.2, NM_001164000.2 and 9 more transcripts); c.970T>C, p.Cys324Arg (NM_001366466.2, NM_001366473.2); short protein forms C324R, C136R, C200R.
Identifiers: ClinVar variation 3871775 (VCV003871775.1).